The following is an entry in ClinVar:

ClinVar aggregate classification (germline): Pathogenic (1 of 4 stars; one submission).

Submission:

GeneDx
Classification: Pathogenic. Last evaluated: 2017-01-10. Review status: criteria provided, single submitter. Criteria: GeneDx Variant Classification (06012015). Collection method: clinical testing. Allele origin: germline. Affected: yes.
Comment: The apparently de novo c.875delA pathogenic variant in the SLC2A1 gene causes a frameshift starting with codon Tyrosine 292, changes this amino acid to a Phenylalanine residue and creates a premature Stop codon at position 48 of the new reading frame, denoted p.Tyr292PhefsX48. This pathogenic variant is predicted to cause loss of normal protein function either through protein truncation or nonsense-mediated mRNA decay. It is not observed in large population cohorts (Lek et al., 2016; 1000 Genomes Consortium et al., 2015; Exome Variant Server). Therefore, c.875delA is interpreted to be a pathogenic variant.

NM_006516.4(SLC2A1):c.875del (p.Tyr292fs)

Gene: SLC2A1 (solute carrier family 2 member 1; minus strand). Cytogenetic location: 1p34.2.
Variant type: Deletion.
Coding change: c.875del on transcript NM_006516.4 (MANE Select); coding-DNA position 875, one base deleted (A; older notation c.875delA).
Protein change: p.Tyr292fs; shifts the reading frame from tyrosine 292.
Molecular consequence: frameshift variant.
Genome position (GRCh38, 1-based): chr1:42,929,307, T deleted on the plus strand (A on the coding strand, the reverse complement: SLC2A1 is on the minus strand). VCF-style (leftmost placement, unchanged base first): chr1-42929306-AT-A. GRCh37 (hg19) VCF-style: chr1-43394977-AT-A.
Other names: short protein forms Y292fs.
Identifiers: ClinVar variation 421460 (VCV000421460.2), dbSNP rs1064795152, ClinGen allele CA16617145.